The following is an entry in ClinVar:

ClinVar aggregate classification (germline): Uncertain significance. Review status: criteria provided, multiple submitters, no conflicts (2 of 4 stars). 3 submissions from 3 submitters: Uncertain significance (3). Last evaluated 2024-01-11.

Conditions:
Nephrolithiasis/nephrocalcinosis. Identifiers: MedGen CN580796.
Autosomal dominant hypocalcemia 1 (HYPOC1). Also called: HYPOCALCEMIA, FAMILIAL. Identifiers: MedGen C3715128, MONDO:0011013, OMIM 601198.
Familial hypocalciuric hypercalcemia (FHH). Also called: Familial benign hypercalcemia. Identifiers: Orphanet 405, MedGen C1809471, MONDO:0018458.

Allele frequency attached by ClinVar (database versions not stated): gnomAD exomes 0.00001; TOPMed 0.00001; ExAC 0.00001; gnomAD 0.00001.
gnomAD v4.1: 21 of 1,613,984 alleles (0.0013%); highest among the groups gnomAD compares: Non-Finnish European, 0.0017%; no homozygotes.

Submissions (3):

Ambry Genetics
Classification: Uncertain significance for Nephrolithiasis/nephrocalcinosis. Last evaluated: 2024-01-11. Review status: criteria provided, single submitter. Criteria: Ambry Variant Classification Scheme 2023. Collection method: clinical testing. Allele origin: germline.
Comment: The p.A772T variant (also known as c.2314G>A), located in coding exon 6 of the CASR gene, results from a G to A substitution at nucleotide position 2314. The alanine at codon 772 is replaced by threonine, an amino acid with similar properties. This amino acid position is highly conserved in available vertebrate species. In addition, this alteration is predicted to be deleterious by in silico analysis. In addition, the evidence for the gene-disease relationship is limited for pancreatitis and cancer predisposition; therefore, the clinical significance of this variant for CASR-related pancreatitis and cancer predisposition is unclear. Since supporting evidence is limited at this time, the clinical significance of this alteration remains unclear.

Labcorp Genetics (formerly Invitae), Labcorp
Classification: Uncertain significance for Familial hypocalciuric hypercalcemia; Autosomal dominant hypocalcemia 1. Last evaluated: 2023-08-04. Review status: criteria provided, single submitter. Criteria: Invitae Variant Classification Sherloc (09022015). Collection method: clinical testing. Allele origin: germline.
Comment: In summary, the available evidence is currently insufficient to determine the role of this variant in disease. Therefore, it has been classified as a Variant of Uncertain Significance. An algorithm developed to predict the effect of missense changes on protein structure and function (PolyPhen-2) suggests that this variant is likely to be disruptive. ClinVar contains an entry for this variant (Variation ID: 821078). This variant has not been reported in the literature in individuals affected with CASR-related conditions. This variant is present in population databases (rs199508583, gnomAD 0.003%). This sequence change replaces alanine, which is neutral and non-polar, with threonine, which is neutral and polar, at codon 772 of the CASR protein (p.Ala772Thr).

Athena Diagnostics
Classification: Uncertain significance. Last evaluated: 2022-08-02. Review status: criteria provided, single submitter. Criteria: Athena Diagnostics Criteria. Collection method: clinical testing. Allele origin: unknown.

NM_000388.4(CASR):c.2314G>A (p.Ala772Thr)

Gene: CASR (calcium sensing receptor; plus strand). Cytogenetic location: 3q21.1.
Variant type: single nucleotide variant.
Coding change: c.2314G>A on transcript NM_000388.4 (MANE Select); coding-DNA position 2314, G replaced by A.
Protein change: p.Ala772Thr; replaces alanine 772 with threonine.
Molecular consequence: missense variant.
Genome position (GRCh38, 1-based): chr3:122,284,268, G>A. VCF-style: chr3-122284268-G-A. GRCh37 (hg19) VCF-style: chr3-122003115-G-A.
Other names: c.2344G>A, p.Ala782Thr (NM_001178065.2); short protein forms A782T, A772T.
Identifiers: ClinVar variation 821078 (VCV000821078.15), dbSNP rs199508583, ClinGen allele CA2569813.